The following is an entry in ClinVar:

ClinVar aggregate classification (germline): Pathogenic (1 of 4 stars; one submission).

Conditions:
Osteogenesis imperfecta type I (OI1). Also called: Lobstein's Disease; OI, TYPE I; OSTEOGENESIS IMPERFECTA TARDA; OSTEOGENESIS IMPERFECTA WITH BLUE SCLERAE; Lobstein disease; Classic Non-deforming Osteogenesis Imperfecta with Blue Sclerae. Identifiers: Orphanet 216796, Orphanet 666, MedGen C0023931, MONDO:0008146, OMIM 166200. Disease mechanism: loss of function.

Submission:

Labcorp Genetics (formerly Invitae), Labcorp
Classification: Pathogenic for Osteogenesis imperfecta type I. Last evaluated: 2019-06-22. Review status: criteria provided, single submitter. Criteria: Invitae Variant Classification Sherloc (09022015). Collection method: clinical testing. Allele origin: germline.
Comment: This variant is not present in population databases (ExAC no frequency). This sequence change creates a premature translational stop signal (p.Pro997Leufs*111) in the COL1A1 gene. It is expected to result in an absent or disrupted protein product. This variant has not been reported in the literature in individuals with COL1A1-related conditions. For these reasons, this variant has been classified as Pathogenic. Loss-of-function variants in COL1A1 are known to be pathogenic (PMID: 7942841, 9295084, 9443882).

Literature cited by the submitters: PubMed 7942841; PubMed 9295084; PubMed 9443882.

NM_000088.4(COL1A1):c.2985del (p.Pro997fs)

Gene: COL1A1 (collagen type I alpha 1 chain; minus strand). Cytogenetic location: 17q21.33.
Variant type: Deletion.
Coding change: c.2985del on transcript NM_000088.4 (MANE Select); coding-DNA position 2985, one base deleted (T; older notation c.2985delT).
Protein change: p.Pro997fs; shifts the reading frame from proline 997.
Molecular consequence: frameshift variant.
Genome position (GRCh38, 1-based): chr17:50,188,963, A deleted on the plus strand (T on the coding strand, the reverse complement: COL1A1 is on the minus strand). VCF-style (leftmost placement, unchanged base first): chr17-50188962-GA-G. GRCh37 (hg19) VCF-style: chr17-48266323-GA-G.
Other names: short protein forms P997fs.
Identifiers: ClinVar variation 944976 (VCV000944976.8), dbSNP rs1906818829, ClinGen allele CA1139665690.
Genomic context (GRCh38, chr17:50,188,962, plus strand): 5'-CCTCACGTCCAGATTCACCAGGGGGTCCAGCCAATCCAGGGGGGCCCATGGGACCAGGGG[GA>G]CCACGTTCACCACTTGCTCCAGAGGGACCTTGTTTGCCAGGTTCACCCTAAGGGAGAAGA-3'